The following is an entry in ClinVar:

ClinVar aggregate classification (germline): Uncertain significance (0 of 4 stars; one submission).

Conditions:
NF1-related disorder. Also called: NF1-related condition. Identifiers: MedGen CN379171.

Submission:

PreventionGenetics, part of Exact Sciences
Classification: Uncertain significance for NF1-related condition. Last evaluated: 2024-04-11. Review status: no assertion criteria provided. Collection method: clinical testing. Allele origin: germline.
Comment: The NF1 c.5585T>C variant is predicted to result in the amino acid substitution p.Leu1862Ser. To our knowledge, this variant has not been reported in the literature or in a large population database, indicating this variant is rare. An alternate nucleotide change affecting the same amino acid (p.Leu1862Leu), has been reported in an individual with biliary tract cancer as a variant of uncertain significance (Okawa et al. 2023. PubMed ID: 36243179). Although we suspect that c.5585T>C p.Leu1862Ser may be pathogenic, at this time, the clinical significance of this variant is uncertain due to the absence of conclusive functional and genetic evidence.

NM_001042492.3(NF1):c.5585T>C (p.Leu1862Ser)

Gene: NF1 (neurofibromin 1; plus strand). Cytogenetic location: 17q11.2.
Variant type: single nucleotide variant.
Coding change: c.5585T>C on transcript NM_001042492.3 (MANE Select); coding-DNA position 5585, T replaced by C.
Protein change: p.Leu1862Ser; replaces leucine 1862 with serine.
Molecular consequence: missense variant.
Genome position (GRCh38, 1-based): chr17:31,327,815, T>C. VCF-style: chr17-31327815-T-C. GRCh37 (hg19) VCF-style: chr17-29654833-T-C.
Other names: c.5522T>C, p.Leu1841Ser (NM_000267.4); short protein forms L1841S, L1862S.
Identifiers: ClinVar variation 3035138 (VCV003035138.2), dbSNP rs2151541881, ClinGen allele CA399010024.
Genomic context (GRCh38, chr17:31,327,815, plus strand): 5'-ACACCAAGATTCGGCCAAAAGATGTCCCTGGGACACTGCTCAATATCGCATTACTTAATT[T>C]AGGCAGTTCTGACCCGAGTTTACGGTAGGTTTTTTAAAATTCTCTTCAGTTTGATTTGGG-3'
Protein context (NP_001035957.1, residues 1852-1872): GTLLNIALLN[Leu1862Ser]GSSDPSLRSA